The following is an entry in ClinVar:

ClinVar aggregate classification (germline): Likely pathogenic (1 of 4 stars; one submission).

Conditions:
Acromesomelic dysplasia 1, Maroteaux type (AMD1). Also called: ST. HELENA DYSPLASIA; ACROMESOMELIC DYSPLASIA 1. Identifiers: Orphanet 40, MedGen C1864356, MONDO:0011275, OMIM 602875.
Tall stature-scoliosis-macrodactyly of the great toes syndrome. Also called: Epiphyseal chondrodysplasia, miura type. Identifiers: Orphanet 329191, MedGen C4014690, MONDO:0014401, OMIM 615923.

Submission:

Labcorp Genetics (formerly Invitae), Labcorp
Classification: Likely pathogenic for Tall stature-scoliosis-macrodactyly of the great toes syndrome; Acromesomelic dysplasia 1, Maroteaux type. Last evaluated: 2025-12-23. Review status: criteria provided, single submitter. Criteria: Invitae Variant Classification Sherloc (09022015). Collection method: clinical testing. Allele origin: germline.
Comment: This sequence change affects a donor splice site in intron 19 of the NPR2 gene. It is expected to disrupt RNA splicing. Variants that disrupt the donor or acceptor splice site typically lead to a loss of protein function (PMID: 16199547), and loss-of-function variants in NPR2 are known to be pathogenic (PMID: 15146390, 15572448, 16384845). This variant is not present in population databases (gnomAD no frequency). This variant has not been reported in the literature in individuals affected with NPR2-related conditions. Algorithms developed to predict the effect of sequence changes on RNA splicing suggest that this variant may disrupt the consensus splice site. In summary, the currently available evidence indicates that the variant is pathogenic, but additional data are needed to prove that conclusively. Therefore, this variant has been classified as Likely Pathogenic.

Literature cited by the submitters: PubMed 16199547; PubMed 15146390; PubMed 15572448; PubMed 16384845.

NM_003995.4(NPR2):c.2887+1G>A

Genes: NPR2 (natriuretic peptide receptor 2; plus strand), SPAG8 (sperm associated antigen 8; minus strand). Cytogenetic location: 9p13.3.
Variant type: single nucleotide variant.
Coding change: c.2887+1G>A on transcript NM_003995.4 (MANE Select); the canonical splice donor site of the intron after coding-DNA position 2887, G replaced by A.
Molecular consequence: splice donor variant. On other transcripts: intron variant (2).
Genome position (GRCh38, 1-based): chr9:35,808,684, G>A. VCF-style: chr9-35808684-G-A. GRCh37 (hg19) VCF-style: chr9-35808681-G-A.
Other names: c.2896+1G>A (NM_001378923.1); c.1201-378C>T (NM_001366760.2); c.1373-378C>T (NM_172312.2).
Identifiers: ClinVar variation 4794056 (VCV004794056.1).